The following is an entry in ClinVar:

ClinVar aggregate classification (germline): Uncertain significance. Review status: criteria provided, multiple submitters, no conflicts (2 of 4 stars). 2 submissions from 2 submitters: Uncertain significance (2). Last evaluated 2025-08-25.

Conditions:
Arrhythmogenic cardiomyopathy with wooly hair and keratoderma. Also called: Arrhythmogenic cardiomyopathy with woolly hair and keratoderma; Carvajal syndrome; Dilated cardiomyopathy with woolly hair and keratoderma; PALMOPLANTAR KERATODERMA WITH LEFT VENTRICULAR CARDIOMYOPATHY AND WOOLLY HAIR. Identifiers: Orphanet 65282, MedGen C1854063, MONDO:0011581, OMIM 605676.
Arrhythmogenic right ventricular dysplasia 8 (ARVD8). Also called: Arrhythmogenic Right Ventricular Dysplasia/Cardiomyopathy 8; ARRHYTHMOGENIC RIGHT VENTRICULAR DYSPLASIA, FAMILIAL, 8; ARRHYTHMOGENIC RIGHT VENTRICULAR CARDIOMYOPATHY 8. Identifiers: MedGen C1843896, MONDO:0011831, OMIM 607450.
Cardiomyopathy (CMYO). Also called: Cardiomyopathies. Identifiers: Orphanet 167848, MedGen C0878544, MONDO:0004994, HP:0001638. Inheritance: Various modes of inheritance.

Submissions (2):

Color Diagnostics, LLC DBA Color Health
Classification: Uncertain significance for Cardiomyopathy. Last evaluated: 2025-08-25. Review status: criteria provided, single submitter. Criteria: ACMG Guidelines, 2015. Collection method: clinical testing. Allele origin: germline.
Comment: This missense variant replaces aspartic acid with glutamic acid at codon 267 of the DSP protein. Computational prediction suggests that this variant may not impact protein structure and function. To our knowledge, functional studies have not been reported for this variant. This variant has not been reported in individuals affected with DSP-related disorders in the literature. This variant has not been identified in the general population by the Genome Aggregation Database (gnomAD). The available evidence is insufficient to determine the role of this variant in disease conclusively. Therefore, this variant is classified as a Variant of Uncertain Significance.

Labcorp Genetics (formerly Invitae), Labcorp
Classification: Uncertain significance for Arrhythmogenic cardiomyopathy with wooly hair and keratoderma; Arrhythmogenic right ventricular dysplasia 8. Last evaluated: 2022-02-18. Review status: criteria provided, single submitter. Criteria: Invitae Variant Classification Sherloc (09022015). Collection method: clinical testing. Allele origin: germline.
Comment: In summary, the available evidence is currently insufficient to determine the role of this variant in disease. Therefore, it has been classified as a Variant of Uncertain Significance. Algorithms developed to predict the effect of missense changes on protein structure and function (SIFT, PolyPhen-2, Align-GVGD) all suggest that this variant is likely to be tolerated. This variant has not been reported in the literature in individuals affected with DSP-related conditions. This variant is not present in population databases (gnomAD no frequency). This sequence change replaces aspartic acid, which is acidic and polar, with glutamic acid, which is acidic and polar, at codon 267 of the DSP protein (p.Asp267Glu).

NM_004415.4(DSP):c.801T>A (p.Asp267Glu)

Gene: DSP (desmoplakin; plus strand). Cytogenetic location: 6p24.3.
Variant type: single nucleotide variant.
Coding change: c.801T>A on transcript NM_004415.4 (MANE Select); coding-DNA position 801, T replaced by A.
Protein change: p.Asp267Glu; replaces aspartic acid 267 with glutamic acid.
Molecular consequence: missense variant.
Genome position (GRCh38, 1-based): chr6:7,565,382, T>A. VCF-style: chr6-7565382-T-A. GRCh37 (hg19) VCF-style: chr6-7565615-T-A.
Other names: c.801T>A, p.Asp267Glu (NM_001008844.3, NM_001319034.2, NM_001406591.1); short protein forms D267E.
Identifiers: ClinVar variation 2098587 (VCV002098587.5), dbSNP rs2533872069, ClinGen allele CA362674039.